The following is an entry in ClinVar:

NM_152703.5(SAMD9L):c.4399T>A (p.Cys1467Ser)

Gene: SAMD9L (sterile alpha motif domain containing 9 like; minus strand). Cytogenetic location: 7q21.2.
Variant type: single nucleotide variant.
Coding change: c.4399T>A on transcript NM_152703.5 (MANE Select); coding-DNA position 4399, T replaced by A.
Protein change: p.Cys1467Ser; replaces cysteine 1467 with serine.
Molecular consequence: missense variant.
Genome position (GRCh38, 1-based): chr7:93,131,573, A>T on the plus strand (T>A on the coding strand, the complement: SAMD9L is on the minus strand). VCF-style: chr7-93131573-A-T. GRCh37 (hg19) VCF-style: chr7-92760886-A-T.
Other names: c.4399T>A, p.Cys1467Ser (NM_001303496.3, NM_001303497.3, NM_001303498.3 and 5 more transcripts); short protein forms C1467S.
Identifiers: ClinVar variation 5028934 (VCV005028934.1).

ClinVar aggregate classification (germline): Uncertain significance (1 of 4 stars; one submission).

Conditions:
Inborn genetic diseases. Identifiers: MedGen C0950123, MeSH D030342.

Submission:

Ambry Genetics
Classification: Uncertain significance for Inborn genetic diseases. Last evaluated: 2026-08-07. Review status: criteria provided, single submitter. Criteria: Ambry Variant Classification Scheme 2023. Collection method: clinical testing. Allele origin: germline.
Comment: The p.C1467S variant (also known as c.4399T>A), located in coding exon 1 of the SAMD9L gene, results from a T to A substitution at nucleotide position 4399. The cysteine at codon 1467 is replaced by serine, an amino acid with dissimilar properties. This amino acid position is conserved. In addition, this alteration is predicted to be tolerated by in silico analysis. Based on the available evidence, the clinical significance of this variant remains unclear.